The following is an entry in ClinVar:

NM_003107.3(SOX4):c.244C>T (p.Pro82Ser)

Gene: SOX4 (SRY-box transcription factor 4; plus strand). Cytogenetic location: 6p22.3.
Variant type: single nucleotide variant.
Coding change: c.244C>T on transcript NM_003107.3 (MANE Select); coding-DNA position 244, C replaced by T.
Protein change: p.Pro82Ser; replaces proline 82 with serine.
Molecular consequence: missense variant.
Genome position (GRCh38, 1-based): chr6:21,594,778, C>T. VCF-style: chr6-21594778-C-T. GRCh37 (hg19) VCF-style: chr6-21595009-C-T.
Other names: short protein forms P82S.
Identifiers: ClinVar variation 2662322 (VCV002662322.1), dbSNP rs868783682, ClinGen allele CA135863150.

ClinVar aggregate classification (germline): Uncertain significance (1 of 4 stars; one submission).

Submission:

GeneDx
Classification: Uncertain significance. Last evaluated: 2023-05-12. Review status: criteria provided, single submitter. Criteria: GeneDx Variant Classification Process June 2021. Collection method: clinical testing. Allele origin: germline. Affected: yes.
Comment: Not observed at significant frequency in large population cohorts (gnomAD); In silico analysis supports that this missense variant has a deleterious effect on protein structure/function; Has not been previously published as pathogenic or benign to our knowledge